The following is an entry in ClinVar:

NM_152564.5(VPS13B):c.2950G>C (p.Val984Leu)

Gene: VPS13B (vacuolar protein sorting 13 homolog B; plus strand). Cytogenetic location: 8q22.2.
Variant type: single nucleotide variant.
Coding change: c.2950G>C on transcript NM_152564.5 (MANE Select); coding-DNA position 2950, G replaced by C.
Protein change: p.Val984Leu; replaces valine 984 with leucine.
Molecular consequence: missense variant.
Genome position (GRCh38, 1-based): chr8:99,391,572, G>C. VCF-style: chr8-99391572-G-C. GRCh37 (hg19) VCF-style: chr8-100403800-G-C.
Other names: c.2950G>C, p.Val984Leu (NM_017890.5); short protein forms V984L.
Identifiers: ClinVar variation 2194700 (VCV002194700.6), dbSNP rs148422160, ClinGen allele CA4823123.

ClinVar aggregate classification (germline): Likely benign. Review status: criteria provided, multiple submitters, no conflicts (2 of 4 stars). 3 submissions from 3 submitters: Likely benign (2). 1 of the submissions does not count toward it. Last evaluated 2026-02-03.

Conditions:
Cohen syndrome (COH1). Also called: Cutis verticis gyrata, retinitis pigmentosa, and sensorineural deafness; PEPPER SYNDROME. Identifiers: Orphanet 193, MedGen C0265223, MONDO:0008999, OMIM 216550.
VPS13B-related disorder. Also called: VPS13B-related condition.

Allele frequency attached by ClinVar (database versions not stated): gnomAD exomes 0.00004; ExAC 0.00007; ESP Exome Variant Server 0.00008; 1000 Genomes Project 30x 0.00016; 1000 Genomes Project 0.00020.
gnomAD v4.1: 72 of 1,614,156 alleles (0.0045%); highest among the groups gnomAD compares: Admixed American, 0.0033%; no homozygotes.

Submissions (3):

Labcorp Genetics (formerly Invitae), Labcorp
Classification: Likely benign for Cohen syndrome. Last evaluated: 2026-02-03. Review status: criteria provided, single submitter. Criteria: Invitae Variant Classification Sherloc (09022015). Collection method: clinical testing. Allele origin: germline.

Blueprint Genetics
Classification: Likely benign. Last evaluated: 2022-07-08. Review status: criteria provided, single submitter. Criteria: ACMG Guidelines, 2015. Collection method: clinical testing. Allele origin: germline.

PreventionGenetics, part of Exact Sciences
Classification: Likely benign for VPS13B-related condition. Last evaluated: 2024-06-12. Review status: no assertion criteria provided. Collection method: clinical testing. Allele origin: germline. Not counted in ClinVar's aggregate classification.
Comment: This variant is classified as likely benign based on ACMG/AMP sequence variant interpretation guidelines (Richards et al. 2015 PMID: 25741868, with internal and published modifications).